The following is an entry in ClinVar:

ClinVar aggregate classification (germline): Uncertain significance (1 of 4 stars; one submission).

Submission:

Laboratory for Molecular Medicine, Mass General Brigham Personalized Medicine
Classification: Uncertain significance. Last evaluated: 2012-09-21. Review status: criteria provided, single submitter. Criteria: LMM Criteria. Collection method: clinical testing. Allele origin: germline. Observed: 2 variant alleles.
Comment: The His193_Arg194del variant in ACTN2 has not been reported in the literature no r previously identified by our laboratory. This variant leads to an in-frame del etion of two amino acids in a highly conserved region of the protein. It is poss ible that this deletion impacts protein function but additional information is n eeded to fully assess the clinical significance of this variant.

NM_001103.4(ACTN2):c.578_583del (p.191HR[1])

Gene: ACTN2 (actinin alpha 2; plus strand). Cytogenetic location: 1q43.
Variant type: Deletion.
Coding change: c.578_583del on transcript NM_001103.4 (MANE Select); coding-DNA positions 578 to 583, 6 bases deleted (ACCGGC; older notation c.578_583delACCGGC).
Protein change: p.191HR[1].
Molecular consequence: inframe deletion. On other transcripts: 5 prime UTR variant (1).
Genome position (GRCh38, 1-based): chr1:236,727,719-236,727,724, ACCGGC deleted; deleting any 6 consecutive bases within chr1:236,727,718-236,727,724 gives the same sequence; the c. name uses the placement nearest the transcript's 3' end. VCF-style (leftmost placement, unchanged base first): chr1-236727717-ACACCGG-A. GRCh37 (hg19) VCF-style: chr1-236891017-ACACCGG-A.
Other names: c.578_583del, p.191HR[1] (NM_001278343.2); c.-244_-239del (NM_001278344.2).
Identifiers: ClinVar variation 43941 (VCV000043941.4), dbSNP rs397516581, ClinGen allele CA133205.
Genomic context (GRCh38, chr1:236,727,717, plus strand): 5'-TTCTTCTCGACGGCTGTGAAGCTGGAAAGATGGCCTTGGACTCTGTGCCCTCATCCACCG[ACACCGG>A]CCTGACCTCATTGACTACTCAAAGCTTAACAAGGTTATTCTGGGTGGCCTGGCATGCAGT-3'